The following is an entry in ClinVar:

ClinVar aggregate classification (germline): Likely benign. Review status: criteria provided, multiple submitters, no conflicts (2 of 4 stars). 3 submissions from 3 submitters: Likely benign (3). Last evaluated 2026-06-21.

Conditions:
RHO-related disorder. Also called: RHO-related condition.

Allele frequency attached by ClinVar (database versions not stated): ExAC 0.00002; gnomAD exomes 0.00002; TOPMed 0.00004; gnomAD 0.00007 and 0.00008; ESP Exome Variant Server 0.00015.

Submissions (3):

PreventionGenetics, part of Exact Sciences
Classification: Likely benign for RHO-related condition. Last evaluated: 2026-06-21. Review status: criteria provided, single submitter. Criteria: ACMG Guidelines, 2015. Collection method: clinical testing. Allele origin: germline.
Comment: This variant is classified as likely benign based on ACMG/AMP sequence variant interpretation guidelines (Richards et al. 2015 PMID: 25741868, with internal and published modifications).

Labcorp Genetics (formerly Invitae), Labcorp
Classification: Likely benign. Last evaluated: 2023-12-11. Review status: criteria provided, single submitter. Criteria: Invitae Variant Classification Sherloc (09022015). Collection method: clinical testing. Allele origin: germline.

Blueprint Genetics
Classification: Likely benign. Last evaluated: 2022-05-06. Review status: criteria provided, single submitter. Criteria: ACMG Guidelines, 2015. Collection method: clinical testing. Allele origin: germline.

NM_000539.3(RHO):c.777C>T (p.Ile259=)

Gene: RHO (rhodopsin; plus strand). Cytogenetic location: 3q22.1.
Variant type: single nucleotide variant.
Coding change: c.777C>T on transcript NM_000539.3 (MANE Select); coding-DNA position 777, C replaced by T.
Protein change: p.Ile259=; no amino-acid change (isoleucine 259 retained).
Molecular consequence: synonymous variant.
Genome position (GRCh38, 1-based): chr3:129,532,613, C>T. VCF-style: chr3-129532613-C-T. GRCh37 (hg19) VCF-style: chr3-129251456-C-T.
Identifiers: ClinVar variation 1613277 (VCV001613277.10), dbSNP rs371853220, ClinGen allele CA2607286.
Genomic context (GRCh38, chr3:129,532,613, plus strand): 5'-GTCAGCCACCACACAGAAGGCAGAGAAGGAGGTCACCCGCATGGTCATCATCATGGTCAT[C>T]GCTTTCCTGATCTGCTGGGTGCCCTACGCCAGCGTGGCATTCTACATCTTCACCCACCAG-3'
Protein context (NP_000530.1, residues 249-269): EVTRMVIIMV[Ile259=]AFLICWVPYA